The following is an entry in ClinVar:

NM_006231.4(POLE):c.4122A>T (p.Lys1374Asn)

Gene: POLE (DNA polymerase epsilon, catalytic subunit; minus strand). Cytogenetic location: 12q24.33.
Variant type: single nucleotide variant.
Coding change: c.4122A>T on transcript NM_006231.4 (MANE Select); coding-DNA position 4122, A replaced by T.
Protein change: p.Lys1374Asn; replaces lysine 1374 with asparagine.
Molecular consequence: missense variant.
Genome position (GRCh38, 1-based): chr12:132,648,956, T>A on the plus strand (A>T on the coding strand, the complement: POLE is on the minus strand). VCF-style: chr12-132648956-T-A. GRCh37 (hg19) VCF-style: chr12-133225542-T-A.
Other names: short protein forms K1374N.
Identifiers: ClinVar variation 240502 (VCV000240502.14), dbSNP rs878854867, ClinGen allele CA10582995.

ClinVar aggregate classification (germline): Conflicting classifications of pathogenicity. Review status: criteria provided, conflicting classifications (1 of 4 stars). 3 submissions from 3 submitters: Uncertain significance (2); Likely benign (1). Last evaluated 2024-11-30.

Conditions:
Hereditary cancer-predisposing syndrome. Also called: Tumor predisposition; Neoplastic Syndromes, Hereditary; Hereditary Cancer Syndrome; Hereditary neoplastic syndrome. Identifiers: Orphanet 140162, MedGen C0027672, MeSH D009386, MONDO:0015356.

Submissions (3):

Labcorp Genetics (formerly Invitae), Labcorp
Classification: Uncertain significance. Last evaluated: 2024-11-30. Review status: criteria provided, single submitter. Criteria: Invitae Variant Classification Sherloc (09022015). Collection method: clinical testing. Allele origin: germline.
Comment: This sequence change replaces lysine, which is basic and polar, with asparagine, which is neutral and polar, at codon 1374 of the POLE protein (p.Lys1374Asn). This variant is not present in population databases (gnomAD no frequency). This variant has not been reported in the literature in individuals affected with POLE-related conditions. ClinVar contains an entry for this variant (Variation ID: 240502). Invitae Evidence Modeling of protein sequence and biophysical properties (such as structural, functional, and spatial information, amino acid conservation, physicochemical variation, residue mobility, and thermodynamic stability) indicates that this missense variant is not expected to disrupt POLE protein function with a negative predictive value of 80%. In summary, the available evidence is currently insufficient to determine the role of this variant in disease. Therefore, it has been classified as a Variant of Uncertain Significance.

Ambry Genetics
Classification: Likely benign for Hereditary cancer-predisposing syndrome. Last evaluated: 2024-03-28. Review status: criteria provided, single submitter. Criteria: Ambry Variant Classification Scheme 2023. Collection method: clinical testing. Allele origin: germline.

GeneDx
Classification: Uncertain significance. Last evaluated: 2023-03-05. Review status: criteria provided, single submitter. Criteria: GeneDx Variant Classification Process June 2021. Collection method: clinical testing. Allele origin: germline. Affected: yes.
Comment: Not observed at significant frequency in large population cohorts (gnomAD); In silico analysis supports that this missense variant has a deleterious effect on protein structure/function; Has not been previously published as pathogenic or benign to our knowledge